The following is an entry in ClinVar:

NM_152464.3(VMA12):c.211+1G>A

Genes: VMA12 (vacuolar ATPase assembly factor VMA12; plus strand), LOC130060544 (ATAC-STARR-seq lymphoblastoid active region 11924; plus strand). Cytogenetic location: 17q11.2.
Variant type: single nucleotide variant.
Coding change: c.211+1G>A on transcript NM_152464.3 (MANE Select); the canonical splice donor site of the intron after coding-DNA position 211, G replaced by A.
Molecular consequence: splice donor variant.
Genome position (GRCh38, 1-based): chr17:28,357,882, G>A. VCF-style: chr17-28357882-G-A. GRCh37 (hg19) VCF-style: chr17-26684905-G-A.
Identifiers: ClinVar variation 2072950 (VCV002072950.1), dbSNP rs139239352, ClinGen allele CA8456963.

ClinVar aggregate classification (germline): Likely pathogenic (1 of 4 stars; one submission).

Allele frequency attached by ClinVar (database versions not stated): gnomAD exomes below 0.00001; ExAC 0.00002; TOPMed 0.00002; gnomAD 0.00003; ESP Exome Variant Server 0.00015.
gnomAD v4.1: 6 of 1,613,690 alleles (0.00037%); highest among the groups gnomAD compares: African/African-American, 0.0067%; no homozygotes.

Submission:

Labcorp Genetics (formerly Invitae), Labcorp
Classification: Likely pathogenic. Last evaluated: 2022-07-05. Review status: criteria provided, single submitter. Criteria: Invitae Variant Classification Sherloc (09022015). Collection method: clinical testing. Allele origin: germline.
Comment: This sequence change affects a donor splice site in intron 1 of the TMEM199 gene. It is expected to disrupt RNA splicing. Variants that disrupt the donor or acceptor splice site typically lead to a loss of protein function (PMID: 16199547), and loss-of-function variants in TMEM199 are known to be pathogenic (PMID: 26833330, 29321044). This variant is present in population databases (rs139239352, gnomAD 0.01%). This variant has not been reported in the literature in individuals affected with TMEM199-related conditions. Algorithms developed to predict the effect of sequence changes on RNA splicing suggest that this variant may disrupt the consensus splice site. In summary, the currently available evidence indicates that the variant is pathogenic, but additional data are needed to prove that conclusively. Therefore, this variant has been classified as Likely Pathogenic.

Literature cited by the submitters: PubMed 16199547; PubMed 26833330; PubMed 29321044.